The following is an entry in ClinVar:

ClinVar aggregate classification (germline): Pathogenic (1 of 4 stars; one submission).

Conditions:
Ichthyosis linearis circumflexa. Identifiers: MedGen C0265962, MONDO:0043106, HP:0025810.

Submission:

Labcorp Genetics (formerly Invitae), Labcorp
Classification: Pathogenic for Ichthyosis linearis circumflexa. Last evaluated: 2024-10-16. Review status: criteria provided, single submitter. Criteria: Invitae Variant Classification Sherloc (09022015). Collection method: clinical testing. Allele origin: germline.
Comment: This sequence change creates a premature translational stop signal (p.Phe985Glnfs*6) in the SPINK5 gene. It is expected to result in an absent or disrupted protein product. Loss-of-function variants in SPINK5 are known to be pathogenic (PMID: 11511292, 11841556). This variant is not present in population databases (gnomAD no frequency). This variant has not been reported in the literature in individuals affected with SPINK5-related conditions. ClinVar contains an entry for this variant (Variation ID: 1448931). For these reasons, this variant has been classified as Pathogenic.

Literature cited by the submitters: PubMed 11511292; PubMed 11841556.

NM_006846.4(SPINK5):c.2953_2954del (p.Phe985fs)

Gene: SPINK5 (serine peptidase inhibitor Kazal type 5; plus strand). Cytogenetic location: 5q32.
Variant type: Deletion.
Coding change: c.2953_2954del on transcript NM_006846.4 (MANE Select); coding-DNA positions 2953 to 2954, 2 bases deleted (TT; older notation c.2953_2954delTT).
Protein change: p.Phe985fs; shifts the reading frame from phenylalanine 985.
Molecular consequence: frameshift variant.
Genome position (GRCh38, 1-based): chr5:148,127,068-148,127,069, TT deleted; deleting any 2 consecutive bases within chr5:148,127,067-148,127,069 gives the same sequence; the c. name uses the placement nearest the transcript's 3' end. VCF-style (leftmost placement, unchanged base first): chr5-148127066-CTT-C. GRCh37 (hg19) VCF-style: chr5-147506629-CTT-C.
Other names: c.3043_3044del, p.Phe1015fs (NM_001127698.2); short protein forms F1015fs, F985fs.
Identifiers: ClinVar variation 1448931 (VCV001448931.6), dbSNP rs1754451124, ClinGen allele CA1082735395.